The following is an entry in ClinVar:

NM_017570.5(OPLAH):c.35T>C (p.Ile12Thr)

Gene: OPLAH (5-oxoprolinase, ATP-hydrolysing; minus strand). Cytogenetic location: 8q24.3.
Variant type: single nucleotide variant.
Coding change: c.35T>C on transcript NM_017570.5 (MANE Select); coding-DNA position 35, T replaced by C.
Protein change: p.Ile12Thr; replaces isoleucine 12 with threonine.
Molecular consequence: missense variant.
Genome position (GRCh38, 1-based): chr8:144,059,998, A>G on the plus strand (T>C on the coding strand, the complement: OPLAH is on the minus strand). VCF-style: chr8-144059998-A-G. GRCh37 (hg19) VCF-style: chr8-145114901-A-G.
Other names: short protein forms I12T.
Identifiers: ClinVar variation 1445473 (VCV001445473.6), dbSNP rs2129850356, ClinGen allele CA372578331.
Genomic context (GRCh38, chr8:144,059,998, plus strand): 5'-ACCCGCACGTGCCCCCCTGGGCACTGGGCAAAGACGTCTGTGAAGGTACCCCCACGGTCG[A>G]TGGCAAAGTGGAAGCGGCCCTCGGGGCTGCCCATGGTGGTGGGGCTGGAGTCCCACAGGA-3'
Protein context (NP_060040.1, residues 2-22): GSPEGRFHFA[Ile12Thr]DRGGTFTDVF

ClinVar aggregate classification (germline): Uncertain significance (1 of 4 stars; one submission).

Conditions:
5-Oxoprolinase deficiency (OPLAHD). Also called: 5-OXOPROLINURIA DUE TO 5-OXOPROLINASE DEFICIENCY. Identifiers: Orphanet 33572, MedGen C0268525, MONDO:0009825, OMIM 260005, HP:0040142.

Allele frequency attached by ClinVar (database versions not stated): gnomAD exomes below 0.00001.
gnomAD v4.1: 2 of 1,612,694 alleles (0.00012%); highest among the groups gnomAD compares: Non-Finnish European, 0.00017%; no homozygotes.

Submission:

Labcorp Genetics (formerly Invitae), Labcorp
Classification: Uncertain significance for 5-Oxoprolinase deficiency. Last evaluated: 2022-06-13. Review status: criteria provided, single submitter. Criteria: Invitae Variant Classification Sherloc (09022015). Collection method: clinical testing. Allele origin: germline.
Comment: This sequence change replaces isoleucine with threonine at codon 12 of the OPLAH protein (p.Ile12Thr). The isoleucine residue is highly conserved and there is a moderate physicochemical difference between isoleucine and threonine. This variant is not present in population databases (gnomAD no frequency). In summary, the available evidence is currently insufficient to determine the role of this variant in disease. Therefore, it has been classified as a Variant of Uncertain Significance. Experimental studies and prediction algorithms are not available or were not evaluated, and the functional significance of this variant is currently unknown. This variant has not been reported in the literature in individuals affected with OPLAH-related conditions.